The following is an entry in ClinVar:

NM_001077365.2(POMT1):c.-15C>T

Gene: POMT1 (protein O-mannosyltransferase 1; plus strand). Cytogenetic location: 9q34.13.
Variant type: single nucleotide variant.
Coding change: c.-15C>T on transcript NM_001077365.2 (MANE Select); 15 bases upstream of the start codon, C replaced by T.
Molecular consequence: 5 prime UTR variant. On other transcripts: non-coding transcript variant (4), intron variant (10).
Genome position (GRCh38, 1-based): chr9:131,504,204, C>T. VCF-style: chr9-131504204-C-T. GRCh37 (hg19) VCF-style: chr9-134379591-C-T.
Other names: c.-15C>T (NM_001136113.2, NM_001353193.2, NM_001353196.2 and 2 more transcripts); c.-259C>T (NM_001353195.2); c.-486C>T (NM_001353198.2); c.-208C>T (NM_001374692.1); c.-166C>T (NM_001374695.1); c.-41+891C>T (NM_001353194.2); c.-72+891C>T (NM_001374691.1); c.-41+1131C>T (NM_001374689.1, NM_001353197.2, NM_001077366.2 and 1 more transcripts); and 3 more.
Identifiers: ClinVar variation 4848874 (VCV004848874.1).

ClinVar aggregate classification (germline): Uncertain significance (1 of 4 stars; one submission).

gnomAD v4.1: 20 of 1,613,956 alleles (0.0012%); highest among the groups gnomAD compares: Non-Finnish European, 0.0017%; no homozygotes.

Submission:

Women's Health and Genetics/Laboratory Corporation of America, LabCorp
Classification: Uncertain significance. Last evaluated: 2026-04-06. Review status: criteria provided, single submitter. Criteria: LabCorp Variant Classification Summary - May 2015. Collection method: clinical testing. Allele origin: germline.
Comment: Variant summary: POMT1 c.-15C>T is located in the untranslated mRNA region upstream of the initiation codon. The variant allele was found at a frequency of 2e-05 in 251476 control chromosomes. The available data on variant occurrences in the general population are insufficient to allow any conclusion about variant significance. To our knowledge, no occurrence of c.-15C>T in individuals affected with POMT1-related conditions and no experimental evidence demonstrating its impact on protein function have been reported. No submitters have cited clinical-significance assessments for this variant to ClinVar. Based on the evidence outlined above, the variant was classified as uncertain significance.